The following is an entry in ClinVar:

ClinVar aggregate classification (germline): Uncertain significance. Review status: criteria provided, multiple submitters, no conflicts (2 of 4 stars). 2 submissions from 2 submitters: Uncertain significance (2). Last evaluated 2024-07-15.

Allele frequency attached by ClinVar (database versions not stated): gnomAD exomes below 0.00001 and 0.00001; TOPMed below 0.00001; ExAC 0.00002; ESP Exome Variant Server 0.00008.
gnomAD v4.1: 2 of 1,613,860 alleles (0.00012%); highest among the groups gnomAD compares: South Asian, 0.0011%; no homozygotes.

Submissions (2):

Labcorp Genetics (formerly Invitae), Labcorp
Classification: Uncertain significance. Last evaluated: 2024-07-15. Review status: criteria provided, single submitter. Criteria: Invitae Variant Classification Sherloc (09022015). Collection method: clinical testing. Allele origin: germline.
Comment: This sequence change replaces proline, which is neutral and non-polar, with histidine, which is basic and polar, at codon 874 of the EMC1 protein (p.Pro874His). This variant is present in population databases (rs369308304, gnomAD 0.0009%). This variant has not been reported in the literature in individuals affected with EMC1-related conditions. ClinVar contains an entry for this variant (Variation ID: 1307503). Advanced modeling of protein sequence and biophysical properties (such as structural, functional, and spatial information, amino acid conservation, physicochemical variation, residue mobility, and thermodynamic stability) performed at Invitae indicates that this missense variant is expected to disrupt EMC1 protein function with a positive predictive value of 80%. In summary, the available evidence is currently insufficient to determine the role of this variant in disease. Therefore, it has been classified as a Variant of Uncertain Significance.

GeneDx
Classification: Uncertain significance. Last evaluated: 2019-08-12. Review status: criteria provided, single submitter. Criteria: GeneDx Variant Classification Process June 2021. Collection method: clinical testing. Allele origin: germline. Affected: yes.
Comment: Not observed at a significant frequency in large population cohorts (Lek et al., 2016); In silico analysis, which includes protein predictors and evolutionary conservation, supports a deleterious effect; Has not been previously published as pathogenic or benign to our knowledge

NM_015047.3(EMC1):c.2621C>A (p.Pro874His)

Genes: EMC1 (ER membrane protein complex subunit 1; minus strand), EMC1-AS1 (EMC1 antisense RNA 1; plus strand). Cytogenetic location: 1p36.13.
Variant type: single nucleotide variant.
Coding change: c.2621C>A on transcript NM_015047.3 (MANE Select); coding-DNA position 2621, C replaced by A.
Protein change: p.Pro874His; replaces proline 874 with histidine.
Molecular consequence: missense variant.
Genome position (GRCh38, 1-based): chr1:19,220,815, G>T on the plus strand (C>A on the coding strand, the complement: EMC1 is on the minus strand). VCF-style: chr1-19220815-G-T. GRCh37 (hg19) VCF-style: chr1-19547309-G-T.
Other names: c.2618C>A, p.Pro873His (NM_001271427.2, NM_001271428.2); c.2555C>A, p.Pro852His (NM_001271429.2); c.2630C>A, p.Pro877His (NM_001375820.1); c.2627C>A, p.Pro876His (NM_001375821.1); short protein forms P877H, P852H, P873H, P874H, P876H.
Identifiers: ClinVar variation 1307503 (VCV001307503.7), dbSNP rs369308304, ClinGen allele CA652207.